The following is an entry in ClinVar:

ClinVar aggregate classification (germline): Likely pathogenic (1 of 4 stars; one submission).

Conditions:
Aicardi-Goutieres syndrome 5. Identifiers: Orphanet 51, MedGen C2749659, MONDO:0013059, OMIM 612952.

Submission:

Labcorp Genetics (formerly Invitae), Labcorp
Classification: Likely pathogenic for Aicardi-Goutieres syndrome 5. Last evaluated: 2021-10-20. Review status: criteria provided, single submitter. Criteria: Invitae Variant Classification Sherloc (09022015). Collection method: clinical testing. Allele origin: germline.
Comment: This sequence change affects an acceptor splice site in intron 6 of the SAMHD1 gene. It is expected to disrupt RNA splicing. Variants that disrupt the donor or acceptor splice site typically lead to a loss of protein function (PMID: 16199547), and loss-of-function variants in SAMHD1 are known to be pathogenic (PMID: 19525956, 22461318). This variant is not present in population databases (ExAC no frequency). This variant has not been reported in the literature in individuals affected with SAMHD1-related conditions. Algorithms developed to predict the effect of sequence changes on RNA splicing suggest that this variant may disrupt the consensus splice site. In summary, the currently available evidence indicates that the variant is pathogenic, but additional data are needed to prove that conclusively. Therefore, this variant has been classified as Likely Pathogenic.

Literature cited by the submitters: PubMed 16199547; PubMed 19525956; PubMed 22461318.

NM_015474.4(SAMHD1):c.697-1G>T

Gene: SAMHD1 (SAM and HD domain containing deoxynucleoside triphosphate triphosphohydrolase 1; minus strand). Cytogenetic location: 20q11.23.
Variant type: single nucleotide variant.
Coding change: c.697-1G>T on transcript NM_015474.4 (MANE Select); the canonical splice acceptor site of the intron before coding-DNA position 697, G replaced by T.
Molecular consequence: splice acceptor variant.
Genome position (GRCh38, 1-based): chr20:36,919,520, C>A on the plus strand (G>T on the coding strand, the complement: SAMHD1 is on the minus strand). VCF-style: chr20-36919520-C-A. GRCh37 (hg19) VCF-style: chr20-35547923-C-A.
Other names: c.697-1G>T (NM_001363729.2, NM_001363733.2).
Identifiers: ClinVar variation 1465906 (VCV001465906.6), dbSNP rs2146119643, ClinGen allele CA408846689.